The following is an entry in ClinVar:

ClinVar aggregate classification (germline): Likely benign. Review status: criteria provided, multiple submitters, no conflicts (2 of 4 stars). 3 submissions from 3 submitters: Likely benign (2). 1 of the submissions does not count toward it. Last evaluated 2026-07-01.

Conditions:
GLI2-related disorder. Also called: GLI2-related condition; GLI2-related disorders.
Holoprosencephaly 9 (HPE9). Also called: PITUITARY ANOMALIES WITH HOLOPROSENCEPHALY-LIKE FEATURES; HOLOPROSENCEPHALY WITH MICROPHTHALMIA AND FIRST BRANCHIAL ARCH ANOMALIES. Identifiers: Orphanet 2162, MedGen C1835819, MONDO:0012563, OMIM 610829.
Postaxial polydactyly-anterior pituitary anomalies-facial dysmorphism syndrome. Also called: Culler-Jones syndrome. Identifiers: Orphanet 420584, MedGen C4014479, MONDO:0014369, OMIM 615849.

Allele frequency attached by ClinVar (database versions not stated): gnomAD 0.00006; 1000 Genomes Project 30x 0.00016; 1000 Genomes Project 0.00020.
gnomAD v4.1: 98 of 1,614,012 alleles (0.0061%); highest among the groups gnomAD compares: South Asian, 0.072%; 1 homozygote.

Submissions (3):

CeGaT Center for Human Genetics Tuebingen
Classification: Likely benign. Last evaluated: 2026-07-01. Review status: criteria provided, single submitter. Criteria: CeGaT Center For Human Genetics Tuebingen Variant Classification Criteria Version 2. Collection method: clinical testing. Allele origin: germline. Affected: yes. Observed: 1 variant allele.
Comment: GLI2: BP4, BP7

Labcorp Genetics (formerly Invitae), Labcorp
Classification: Likely benign for Postaxial polydactyly-anterior pituitary anomalies-facial dysmorphism syndrome; Holoprosencephaly 9. Last evaluated: 2025-08-04. Review status: criteria provided, single submitter. Criteria: Invitae Variant Classification Sherloc (09022015). Collection method: clinical testing. Allele origin: germline.

PreventionGenetics, part of Exact Sciences
Classification: Likely benign for GLI2-related condition. Last evaluated: 2021-02-26. Review status: no assertion criteria provided. Collection method: clinical testing. Allele origin: germline. Not counted in ClinVar's aggregate classification.
Comment: This variant is classified as likely benign based on ACMG/AMP sequence variant interpretation guidelines (Richards et al. 2015 PMID: 25741868, with internal and published modifications).

NM_001374353.1(GLI2):c.4620C>T (p.Pro1540=)

Gene: GLI2 (GLI family zinc finger 2; plus strand). Cytogenetic location: 2q14.2.
Variant type: single nucleotide variant.
Coding change: c.4620C>T on transcript NM_001374353.1 (MANE Select); coding-DNA position 4620, C replaced by T.
Protein change: p.Pro1540=; no amino-acid change (proline 1540 retained).
Molecular consequence: synonymous variant.
Genome position (GRCh38, 1-based): chr2:120,990,585, C>T. VCF-style: chr2-120990585-C-T. GRCh37 (hg19) VCF-style: chr2-121748161-C-T.
Other names: c.4671C>T, p.Pro1557= (NM_001371271.1, NM_005270.5); c.4245C>T, p.Pro1415= (NM_001374354.1); c.4671C>T (NM_005270.4).
Identifiers: ClinVar variation 2940862 (VCV002940862.6), dbSNP rs564254987, ClinGen allele CA1852679.